The following is an entry in ClinVar:

ClinVar aggregate classification (germline): Pathogenic (1 of 4 stars; one submission).

Conditions:
X-linked agammaglobulinemia with growth hormone deficiency (IGHD3). Also called: HYPOGAMMAGLOBULINEMIA AND ISOLATED GROWTH HORMONE DEFICIENCY, X-LINKED; IGHD III; ISOLATED GROWTH HORMONE DEFICIENCY, TYPE III, WITH AGAMMAGLOBULINEMIA; Isolated growth hormone deficiency type 3; Growth hormone deficiency with hypogammaglobulinemia; AGAMMAGLOBULINEMIA AND ISOLATED GROWTH HORMONE DEFICIENCY, X-LINKED. Identifiers: Orphanet 231692, Orphanet 631, MedGen C0472813, MONDO:0010615, OMIM 307200.

Submission:

Labcorp Genetics (formerly Invitae), Labcorp
Classification: Pathogenic for X-linked agammaglobulinemia with growth hormone deficiency. Last evaluated: 2023-01-31. Review status: criteria provided, single submitter. Criteria: Invitae Variant Classification Sherloc (09022015). Collection method: clinical testing. Allele origin: germline.
Comment: This sequence change creates a premature translational stop signal (p.Ser318Cysfs*12) in the BTK gene. It is expected to result in an absent or disrupted protein product. Loss-of-function variants in BTK are known to be pathogenic (PMID: 15661032, 16862044, 19419768). This variant is not present in population databases (gnomAD no frequency). This variant has not been reported in the literature in individuals affected with BTK-related conditions. For these reasons, this variant has been classified as Pathogenic.

Literature cited by the submitters: PubMed 15661032; PubMed 16862044; PubMed 19419768.

NM_000061.3(BTK):c.953_956del (p.Ser318fs)

Gene: BTK (Bruton tyrosine kinase; minus strand). Cytogenetic location: Xq22.1.
Variant type: Deletion.
Coding change: c.953_956del on transcript NM_000061.3 (MANE Select); coding-DNA positions 953 to 956, 4 bases deleted (CTGT; older notation c.953_956delCTGT).
Protein change: p.Ser318fs; shifts the reading frame from serine 318.
Molecular consequence: frameshift variant.
Genome position (GRCh38, 1-based): chrX:101,358,635-101,358,638, ACAG deleted on the plus strand (CTGT on the coding strand, the reverse complement: BTK is on the minus strand); deleting any 4 consecutive bases within chrX:101,358,635-101,358,641 gives the same sequence; the c. name uses the placement nearest the transcript's 3' end. VCF-style (leftmost placement, unchanged base first): chrX-101358634-CACAG-C. GRCh37 (hg19) VCF-style: chrX-100613622-CACAG-C.
Other names: c.1055_1058del, p.Ser352fs (NM_001287344.2); c.953_956del, p.Ser318fs (NM_001287345.2); short protein forms S318fs, S352fs.
Identifiers: ClinVar variation 2833331 (VCV002833331.3), dbSNP rs2520573534, ClinGen allele CA2739273642.